The following is an entry in ClinVar:

ClinVar aggregate classification (germline): Uncertain significance (1 of 4 stars; one submission).

Conditions:
Hereditary spastic paraplegia 39 (SPG39). Also called: SPASTIC PARAPLEGIA 39, AUTOSOMAL RECESSIVE; Spastic Paraplegia Type 39 (SPG39). Identifiers: Orphanet 139480, MedGen C2677586, MONDO:0012787, OMIM 612020.

Allele frequency attached by ClinVar (database versions not stated): gnomAD exomes below 0.00001.
gnomAD v4.1: 1 of 1,614,064 alleles (0.000062%); highest among the groups gnomAD compares: East Asian, 0.0022%; no homozygotes.

Submission:

Labcorp Genetics (formerly Invitae), Labcorp
Classification: Uncertain significance for Hereditary spastic paraplegia 39. Last evaluated: 2023-09-08. Review status: criteria provided, single submitter. Criteria: Invitae Variant Classification Sherloc (09022015). Collection method: clinical testing. Allele origin: germline.
Comment: Advanced modeling of protein sequence and biophysical properties (such as structural, functional, and spatial information, amino acid conservation, physicochemical variation, residue mobility, and thermodynamic stability) has been performed at Invitae for this missense variant, however the output from this modeling did not meet the statistical confidence thresholds required to predict the impact of this variant on PNPLA6 protein function. This sequence change replaces serine, which is neutral and polar, with asparagine, which is neutral and polar, at codon 699 of the PNPLA6 protein (p.Ser699Asn). This variant is not present in population databases (gnomAD no frequency). This variant has not been reported in the literature in individuals affected with PNPLA6-related conditions. In summary, the available evidence is currently insufficient to determine the role of this variant in disease. Therefore, it has been classified as a Variant of Uncertain Significance.

NM_001166114.2(PNPLA6):c.2213G>A (p.Ser738Asn)

Gene: PNPLA6 (patatin like domain 6, lysophospholipase; plus strand). Cytogenetic location: 19p13.2.
Variant type: single nucleotide variant.
Coding change: c.2213G>A on transcript NM_001166114.2 (MANE Select); coding-DNA position 2213, G replaced by A.
Protein change: p.Ser738Asn; replaces serine 738 with asparagine.
Molecular consequence: missense variant.
Genome position (GRCh38, 1-based): chr19:7,551,390, G>A. VCF-style: chr19-7551390-G-A. GRCh37 (hg19) VCF-style: chr19-7616276-G-A.
Other names: c.2240G>A, p.Ser747Asn (NM_001166111.2); c.2018G>A, p.Ser673Asn (NM_001166112.2); c.2096G>A, p.Ser699Asn (NM_001166113.1, NM_006702.5); short protein forms S673N, S699N, S747N, S738N.
Identifiers: ClinVar variation 2832887 (VCV002832887.1), dbSNP rs2512539147, ClinGen allele CA403125121.